The following is an entry in ClinVar:

ClinVar aggregate classification (germline): Uncertain significance (1 of 4 stars; one submission).

Submission:

GeneDx
Classification: Uncertain significance. Last evaluated: 2023-05-19. Review status: criteria provided, single submitter. Criteria: GeneDx Variant Classification Process June 2021. Collection method: clinical testing. Allele origin: germline. Affected: yes.
Comment: Not observed at significant frequency in large population cohorts (gnomAD); In silico analysis supports that this missense variant does not alter protein structure/function; Has not been previously published as pathogenic or benign to our knowledge

NM_006766.5(KAT6A):c.2654A>T (p.Lys885Ile)

Gene: KAT6A (lysine acetyltransferase 6A; minus strand). Cytogenetic location: 8p11.21.
Variant type: single nucleotide variant.
Coding change: c.2654A>T on transcript NM_006766.5 (MANE Select); coding-DNA position 2654, A replaced by T.
Protein change: p.Lys885Ile; replaces lysine 885 with isoleucine.
Molecular consequence: missense variant.
Genome position (GRCh38, 1-based): chr8:41,941,227, T>A on the plus strand (A>T on the coding strand, the complement: KAT6A is on the minus strand). VCF-style: chr8-41941227-T-A. GRCh37 (hg19) VCF-style: chr8-41798745-T-A.
Other names: short protein forms K885I.
Identifiers: ClinVar variation 3343769 (VCV003343769.1).
Genomic context (GRCh38, chr8:41,941,227, plus strand): 5'-TTCTCCCCACATTCTCCATATTGTTCCTGAGGAGCTGAAGACGTCTCTTCCAAGAGCAGT[T>A]TAGAATCTTTATCACCAAAACGTTCCTGGGTTTTTCTGTTCTTCCTCCCCCAGCGGCCCC-3'
Protein context (NP_006757.2, residues 875-895): TQERFGDKDS[Lys885Ile]LLLEETSSAP